The following is an entry in ClinVar:

ClinVar aggregate classification (germline): Uncertain significance. Review status: criteria provided, multiple submitters, no conflicts (2 of 4 stars). 2 submissions from 2 submitters: Uncertain significance (2). Last evaluated 2024-08-30.

Conditions:
BAP1-related tumor predisposition syndrome (TPDS1). Also called: BAP1 tumor predisposition syndrome; COMMON Syndrome; TUMOR PREDISPOSITION SYNDROME 1; Tumor susceptibility linked to germline BAP1 mutations. Identifiers: Orphanet 289539, MedGen C3280492, MONDO:0013692, OMIM 614327.
Hereditary cancer-predisposing syndrome. Also called: Neoplastic Syndromes, Hereditary; Hereditary Cancer Syndrome; Hereditary neoplastic syndrome; Tumor predisposition. Identifiers: Orphanet 140162, MedGen C0027672, MeSH D009386, MONDO:0015356.

Submissions (2):

Ambry Genetics
Classification: Uncertain significance for Hereditary cancer-predisposing syndrome. Last evaluated: 2024-08-30. Review status: criteria provided, single submitter. Criteria: Ambry Variant Classification Scheme 2023. Collection method: clinical testing. Allele origin: germline.
Comment: The p.T16S variant (also known as c.46A>T), located in coding exon 2 of the BAP1 gene, results from an A to T substitution at nucleotide position 46. The threonine at codon 16 is replaced by serine, an amino acid with similar properties. This amino acid position is conserved. In addition, the in silico prediction for this alteration is inconclusive. Based on the available evidence, the clinical significance of this variant remains unclear.

Labcorp Genetics (formerly Invitae), Labcorp
Classification: Uncertain significance for BAP1-related tumor predisposition syndrome. Last evaluated: 2021-11-02. Review status: criteria provided, single submitter. Criteria: Invitae Variant Classification Sherloc (09022015). Collection method: clinical testing. Allele origin: germline.
Comment: Algorithms developed to predict the effect of missense changes on protein structure and function (SIFT, PolyPhen-2, Align-GVGD) all suggest that this variant is likely to be disruptive. This variant has not been reported in the literature in individuals affected with BAP1-related conditions. This variant is not present in population databases (gnomAD no frequency). This sequence change replaces threonine, which is neutral and polar, with serine, which is neutral and polar, at codon 16 of the BAP1 protein (p.Thr16Ser). In summary, the available evidence is currently insufficient to determine the role of this variant in disease. Therefore, it has been classified as a Variant of Uncertain Significance.

NM_004656.4(BAP1):c.46A>T (p.Thr16Ser)

Gene: BAP1 (BRCA1 associated deubiquitinase 1; minus strand). Cytogenetic location: 3p21.1.
Variant type: single nucleotide variant.
Coding change: c.46A>T on transcript NM_004656.4 (MANE Select); coding-DNA position 46, A replaced by T.
Protein change: p.Thr16Ser; replaces threonine 16 with serine.
Molecular consequence: missense variant.
Genome position (GRCh38, 1-based): chr3:52,409,735, T>A on the plus strand (A>T on the coding strand, the complement: BAP1 is on the minus strand). VCF-style: chr3-52409735-T-A. GRCh37 (hg19) VCF-style: chr3-52443751-T-A.
Other names: c.46A>T (NM_004656.2); short protein forms T16S.
Identifiers: ClinVar variation 1418672 (VCV001418672.7), dbSNP rs1705307136, ClinGen allele CA353114953.